The following is an entry in ClinVar:

ClinVar aggregate classification (germline): Uncertain significance (1 of 4 stars; one submission).

Conditions:
FRAXE. Also called: Intellectual disability, X-linked, FRAXE type; Fragile XE syndrome; Intellectual developmental disorder, X-linked 109; FRAXE Syndrome; FRAXE intellectual disability. Identifiers: Orphanet 100973, MedGen C0751157, MONDO:0010659, OMIM 309548. Disease mechanism: loss of function.

Allele frequency attached by ClinVar (database versions not stated): TOPMed below 0.00001.

Submission:

Strand Center for Genomics and Personalized Medicine, Strand Life Sciences Pvt Ltd
Classification: Uncertain significance for FRAXE. Review status: criteria provided, single submitter. Criteria: Strand Life Sciences Variant classification assertion Criteria. Collection method: clinical testing. Allele origin: germline. Inheritance: X-linked inheritance. Affected: yes. Observed: 1 variant allele, 1 hemizygote.
Comment: Though this variant has not been reported in a clinical context, 2 other variants in the 3'UTR of AFF2, *3206C>T and *2338T>C, have been reported in males with autism. The variants were shown to alter AFF2 gene expression levels in a tissue specific manner [PMID:22773736]. Both silencing and overexpression have been implicated in ASD susceptibility [PMID:22773736], [PMID:23562910].

Literature cited by the submitters: PubMed 22773736; PubMed 23562910.

NM_002025.4(AFF2):c.*4554C>G

Gene: AFF2 (ALF transcription elongation factor 2; plus strand). Cytogenetic location: Xq28.
Variant type: single nucleotide variant.
Coding change: c.*4554C>G on transcript NM_002025.4 (MANE Select); 4554 bases downstream of the stop codon, C replaced by G.
Molecular consequence: 3 prime UTR variant.
Genome position (GRCh38, 1-based): chrX:148,995,886, C>G. VCF-style: chrX-148995886-C-G. GRCh37 (hg19) VCF-style: chrX-148077416-C-G.
Other names: c.*4554C>G (NM_001169122.2, NM_001169123.2, NM_001169124.2 and 2 more transcripts).
Identifiers: ClinVar variation 219173 (VCV000219173.3), dbSNP rs864321652, ClinGen allele CA279944.